The following is an entry in ClinVar:

NM_003072.5(SMARCA4):c.4702G>A (p.Asp1568Asn)

Gene: SMARCA4 (SWI/SNF related BAF chromatin remodeling complex subunit ATPase 4; plus strand). Cytogenetic location: 19p13.2.
Variant type: single nucleotide variant.
Coding change: c.4702G>A on transcript NM_003072.5 (MANE Select); coding-DNA position 4702, G replaced by A.
Protein change: p.Asp1568Asn; replaces aspartic acid 1568 with asparagine.
Molecular consequence: missense variant. On other transcripts: non-coding transcript variant (1).
Genome position (GRCh38, 1-based): chr19:11,059,819, G>A. VCF-style: chr19-11059819-G-A. GRCh37 (hg19) VCF-style: chr19-11170495-G-A.
Other names: c.4702G>A, p.Asp1568Asn (NM_001128844.3); c.4612G>A, p.Asp1538Asn (NM_001128845.2); c.4609G>A, p.Asp1537Asn (NM_001128846.2); c.4603G>A, p.Asp1535Asn (NM_001128847.4, NM_001374457.1); c.4600G>A, p.Asp1534Asn (NM_001128848.2); c.4798G>A, p.Asp1600Asn (NM_001128849.3, NM_001387283.1); short protein forms D1600N, D1534N, D1538N, D1537N, D1535N, D1568N.
Identifiers: ClinVar variation 408685 (VCV000408685.9), dbSNP rs1060502099, ClinGen allele CA16615977.
Genomic context (GRCh38, chr19:11,059,819, plus strand): 5'-GAAGACTCCATCGTCTTGCAGTCGGTCTTCACCAGCGTGCGGCAGAAAATCGAGAAGGAG[G>A]ATGACAGTGAAGGCGAGGAGAGTGAGGAGGAGGAAGAGGGCGAGGAGGAAGGCTCCGAAT-3'
Protein context (NP_003063.2, residues 1558-1578): TSVRQKIEKE[Asp1568Asn]DSEGEESEEE

ClinVar aggregate classification (germline): Uncertain significance (1 of 4 stars; one submission).

Conditions:
Rhabdoid tumor predisposition syndrome 2 (RTPS2). Identifiers: Orphanet 231108, Orphanet 69077, MedGen C2750074, MONDO:0013224, OMIM 613325.

Submission:

Labcorp Genetics (formerly Invitae), Labcorp
Classification: Uncertain significance for Rhabdoid tumor predisposition syndrome 2. Last evaluated: 2016-08-08. Review status: criteria provided, single submitter. Criteria: Invitae Variant Classification Sherloc (09022015). Collection method: clinical testing. Allele origin: germline.
Comment: This variant is not present in population databases (ExAC no frequency) and has not been reported in the literature in individuals with a SMARCA4-related disease. Algorithms developed to predict the effect of missense changes on protein structure and function (SIFT, PolyPhen-2, Align-GVGD) all suggest that this variant is likely to be tolerated, but these predictions have not been confirmed by published functional studies. In summary, this variant is a novel missense change that is not predicted to affect protein function. There is no indication that it causes disease, but the available evidence is currently insufficient to prove that conclusively. Therefore, it has been classified as a Variant of Uncertain Significance. This sequence change replaces aspartic acid with asparagine at codon 1600 of the SMARCA4 protein (p.Asp1600Asn). The aspartic acid residue is moderately conserved and there is a small physicochemical difference between aspartic acid and asparagine.